The following is an entry in ClinVar:

NM_006231.4(POLE):c.4852A>G (p.Asn1618Asp)

Gene: POLE (DNA polymerase epsilon, catalytic subunit; minus strand). Cytogenetic location: 12q24.33.
Variant type: single nucleotide variant.
Coding change: c.4852A>G on transcript NM_006231.4 (MANE Select); coding-DNA position 4852, A replaced by G.
Protein change: p.Asn1618Asp; replaces asparagine 1618 with aspartic acid.
Molecular consequence: missense variant.
Genome position (GRCh38, 1-based): chr12:132,642,606, T>C on the plus strand (A>G on the coding strand, the complement: POLE is on the minus strand). VCF-style: chr12-132642606-T-C. GRCh37 (hg19) VCF-style: chr12-133219192-T-C.
Other names: short protein forms N1618D.
Identifiers: ClinVar variation 405612 (VCV000405612.14), dbSNP rs377406943, ClinGen allele CA6892697.
Genomic context (GRCh38, chr12:132,642,606, plus strand): 5'-TGAGGTAGTGACGGATCATGCGCCGGGCTCCATGGCGCTGCCAGTCCAGGACCCCATAGT[T>C]GATCTTGTCAGCCACACAGATAGGCACCAGTGGGAATTCCTCCAAGACAGGAATTTCACT-3'
Protein context (NP_006222.2, residues 1608-1628): LVPICVADKI[Asn1618Asp]YGVLDWQRHG

ClinVar aggregate classification (germline): Uncertain significance. Review status: criteria provided, multiple submitters, no conflicts (2 of 4 stars). 3 submissions from 3 submitters: Uncertain significance (3). Last evaluated 2026-01-10.

Conditions:
Hereditary cancer-predisposing syndrome. Also called: Hereditary Cancer Syndrome; Hereditary neoplastic syndrome; Neoplastic Syndromes, Hereditary; Tumor predisposition. Identifiers: Orphanet 140162, MedGen C0027672, MeSH D009386, MONDO:0015356.

Allele frequency attached by ClinVar (database versions not stated): ExAC 0.00001; gnomAD 0.00001; gnomAD exomes 0.00001 and 0.00002; TOPMed 0.00001.
gnomAD v4.1: 5 of 1,613,440 alleles (0.00031%); highest among the groups gnomAD compares: Admixed American, 0.0067%; no homozygotes.

Submissions (3):

Labcorp Genetics (formerly Invitae), Labcorp
Classification: Uncertain significance. Last evaluated: 2026-01-10. Review status: criteria provided, single submitter. Criteria: Invitae Variant Classification Sherloc (09022015). Collection method: clinical testing. Allele origin: germline.
Comment: This sequence change replaces asparagine, which is neutral and polar, with aspartic acid, which is acidic and polar, at codon 1618 of the POLE protein (p.Asn1618Asp). This variant is present in population databases (rs377406943, gnomAD 0.009%). This variant has not been reported in the literature in individuals affected with POLE-related conditions. ClinVar contains an entry for this variant (Variation ID: 405612). Invitae Evidence Modeling of protein sequence and biophysical properties (such as structural, functional, and spatial information, amino acid conservation, physicochemical variation, residue mobility, and thermodynamic stability) indicates that this missense variant is not expected to disrupt POLE protein function with a negative predictive value of 80%. In summary, the available evidence is currently insufficient to determine the role of this variant in disease. Therefore, it has been classified as a Variant of Uncertain Significance.

Ambry Genetics
Classification: Uncertain significance for Hereditary cancer-predisposing syndrome. Last evaluated: 2024-02-04. Review status: criteria provided, single submitter. Criteria: Ambry Variant Classification Scheme 2023. Collection method: clinical testing. Allele origin: germline.
Comment: The p.N1618D variant (also known as c.4852A>G), located in coding exon 37 of the POLE gene, results from an A to G substitution at nucleotide position 4852. The asparagine at codon 1618 is replaced by aspartic acid, an amino acid with highly similar properties. This amino acid position is conserved. In addition, this alteration is predicted to be tolerated by in silico analysis. Since supporting evidence is limited at this time, the clinical significance of this alteration remains unclear.

GeneDx
Classification: Uncertain significance. Last evaluated: 2019-08-08. Review status: criteria provided, single submitter. Criteria: GeneDx Variant Classification Process June 2021. Collection method: clinical testing. Allele origin: germline. Affected: yes.
Comment: Not observed at a significant frequency in large population cohorts (Lek et al., 2016); In silico analysis, which includes protein predictors and evolutionary conservation, supports that this variant does not alter protein structure/function; This variant is associated with the following publications: (PMID: 31034466, 29056344)